The following is an entry in ClinVar:

NM_016239.4(MYO15A):c.2918C>T (p.Ser973Phe)

Gene: MYO15A (myosin XVA; plus strand). Cytogenetic location: 17p11.2.
Variant type: single nucleotide variant.
Coding change: c.2918C>T on transcript NM_016239.4 (MANE Select); coding-DNA position 2918, C replaced by T.
Protein change: p.Ser973Phe; replaces serine 973 with phenylalanine.
Molecular consequence: missense variant.
Genome position (GRCh38, 1-based): chr17:18,121,718, C>T. VCF-style: chr17-18121718-C-T. GRCh37 (hg19) VCF-style: chr17-18025032-C-T.
Other names: short protein forms S973F.
Identifiers: ClinVar variation 3160969 (VCV003160969.2), dbSNP rs747226541, ClinGen allele CA8423341.

ClinVar aggregate classification (germline): Uncertain significance. Review status: criteria provided, multiple submitters, no conflicts (2 of 4 stars). 2 submissions from 2 submitters: Uncertain significance (2). Last evaluated 2025-12-29.

Conditions:
Inborn genetic diseases. Identifiers: MedGen C0950123, MeSH D030342.

Allele frequency attached by ClinVar (database versions not stated): gnomAD exomes 0.00002; ExAC 0.00003; gnomAD 0.00003; TOPMed 0.00006.
gnomAD v4.1: 15 of 1,600,642 alleles (0.00094%); highest among the groups gnomAD compares: Admixed American, 0.025%; no homozygotes.

Submissions (2):

Labcorp Genetics (formerly Invitae), Labcorp
Classification: Uncertain significance. Last evaluated: 2025-12-29. Review status: criteria provided, single submitter. Criteria: Invitae Variant Classification Sherloc (09022015). Collection method: clinical testing. Allele origin: germline.
Comment: This sequence change replaces serine, which is neutral and polar, with phenylalanine, which is neutral and non-polar, at codon 973 of the MYO15A protein (p.Ser973Phe). This variant is present in population databases (rs747226541, gnomAD 0.02%). This variant has not been reported in the literature in individuals affected with MYO15A-related conditions. ClinVar contains an entry for this variant (Variation ID: 3160969). Invitae Evidence Modeling of protein sequence and biophysical properties (such as structural, functional, and spatial information, amino acid conservation, physicochemical variation, residue mobility, and thermodynamic stability) indicates that this missense variant is not expected to disrupt MYO15A protein function with a negative predictive value of 95%. In summary, the available evidence is currently insufficient to determine the role of this variant in disease. Therefore, it has been classified as a Variant of Uncertain Significance.

Ambry Genetics
Classification: Uncertain significance for Inborn genetic diseases. Last evaluated: 2023-11-15. Review status: criteria provided, single submitter. Criteria: Ambry Variant Classification Scheme 2023. Collection method: clinical testing. Allele origin: germline.